The following is an entry in ClinVar:

ClinVar aggregate classification (germline): Conflicting classifications of pathogenicity. Review status: criteria provided, conflicting classifications (1 of 4 stars). 4 submissions from 4 submitters: Uncertain significance (1); Benign (1); Likely benign (2). Last evaluated 2026-07-28.

Conditions:
Pheochromocytoma. Also called: MAX-Related Hereditary Paraganglioma-Pheochromocytoma Syndrome. Identifiers: Orphanet 29072, MedGen C0031511, MONDO:0008233, OMIM 171300, HP:0002666.
Hereditary cancer-predisposing syndrome. Also called: Hereditary Cancer Syndrome; Hereditary neoplastic syndrome; Neoplastic Syndromes, Hereditary; Tumor predisposition. Identifiers: Orphanet 140162, MedGen C0027672, MeSH D009386, MONDO:0015356.
Hereditary pheochromocytoma and paraganglioma. Also called: Hereditary Paraganglioma-Pheochromocytoma Syndromes; Hereditary paragangliomas and pheochromocytomas; Hereditary pheochromocytoma-paraganglioma. Identifiers: Orphanet 29072, MedGen C4274332, MONDO:0017366.

Allele frequency attached by ClinVar (database versions not stated): TOPMed 0.00001; gnomAD 0.00001 and 0.00002; gnomAD exomes 0.00002.
gnomAD v4.1: 25 of 1,466,022 alleles (0.0017%); highest among the groups gnomAD compares: South Asian, 0.011%; no homozygotes.

Submissions (4):

Myriad Genetics, Inc.
Classification: Benign for Hereditary pheochromocytoma and paraganglioma. Last evaluated: 2026-07-28. Review status: criteria provided, single submitter. Criteria: Myriad Autosomal Dominant, Autosomal Recessive and X-Linked Classification Criteria (2023). Collection method: clinical testing. Allele origin: unknown.
Comment: This variant is considered benign. This variant is a silent/synonymous amino acid change and it is not expected to impact splicing.

Labcorp Genetics (formerly Invitae), Labcorp
Classification: Likely benign for Hereditary pheochromocytoma and paraganglioma. Last evaluated: 2026-01-19. Review status: criteria provided, single submitter. Criteria: Invitae Variant Classification Sherloc (09022015). Collection method: clinical testing. Allele origin: germline.

Ambry Genetics
Classification: Likely benign for Hereditary cancer-predisposing syndrome. Last evaluated: 2019-10-15. Review status: criteria provided, single submitter. Criteria: Ambry Variant Classification Scheme 2023. Collection method: clinical testing. Allele origin: germline.

Illumina Laboratory Services, Illumina
Classification: Uncertain significance for Pheochromocytoma. Last evaluated: 2018-01-13. Review status: criteria provided, single submitter. Criteria: ICSL Variant Classification Criteria 13 December 2019. Collection method: clinical testing. Allele origin: germline.

NM_017849.4(TMEM127):c.12C>T (p.Pro4=)

Genes: TMEM127 (transmembrane protein 127; minus strand), LOC129934333 (ATAC-STARR-seq lymphoblastoid silent region 11759; plus strand). Cytogenetic location: 2q11.2.
Variant type: single nucleotide variant.
Coding change: c.12C>T on transcript NM_017849.4 (MANE Select); coding-DNA position 12, C replaced by T.
Protein change: p.Pro4=; no amino-acid change (proline 4 retained).
Molecular consequence: synonymous variant.
Genome position (GRCh38, 1-based): chr2:96,265,370, G>A on the plus strand (C>T on the coding strand, the complement: TMEM127 is on the minus strand). VCF-style: chr2-96265370-G-A. GRCh37 (hg19) VCF-style: chr2-96931108-G-A.
Other names: c.12C>T, p.Pro4= (NM_001193304.3).
Identifiers: ClinVar variation 463836 (VCV000463836.20), dbSNP rs1406470818, ClinGen allele CA427496535.
Genomic context (GRCh38, chr2:96,265,370, plus strand): 5'-GGGCAGAGCGCTGCCTCCCGGGCTCCTCCGCCGGCGCCCGCCGGGCAGCCCTGCGCCTCC[G>A]GGGGCGTACATGCCCGGGGCCGCCCGCCGTCGCTCCGCAGTCGCTGCTGGTCGCCGCCGA-3'
Protein context (NP_060319.1, residues 1-14): MYA[Pro4=]GGAGLPGGRR